The following is an entry in ClinVar:

NM_001322934.2(NFKB2):c.2576_2580del (p.Thr859fs)

Gene: NFKB2 (nuclear factor kappa B subunit 2; plus strand). Cytogenetic location: 10q24.32.
Variant type: Deletion.
Coding change: c.2576_2580del on transcript NM_001322934.2 (MANE Select); coding-DNA positions 2576 to 2580, 5 bases deleted (CACAG; older notation c.2576_2580delCACAG).
Protein change: p.Thr859fs; shifts the reading frame from threonine 859.
Molecular consequence: frameshift variant.
Genome position (GRCh38, 1-based): chr10:102,402,155-102,402,159, CACAG deleted; deleting any 5 consecutive bases within chr10:102,402,152-102,402,159 gives the same sequence; the c. name uses the placement nearest the transcript's 3' end. VCF-style (leftmost placement, unchanged base first): chr10-102402151-CCAGCA-C. GRCh37 (hg19) VCF-style: chr10-104161908-CCAGCA-C.
Other names: c.2576_2580del, p.Thr859fs (NM_001077494.3); c.2574_2578del, p.Ser858fs (NM_001261403.3, NM_001288724.1, NM_002502.6); c.2450_2454del, p.Thr817fs (NM_001322935.1); c.2574_2578delCACAG (NM_001077494.3); short protein forms S858fs, T817fs, T859fs.
Identifiers: ClinVar variation 572397 (VCV000572397.8), dbSNP rs1565214594, ClinGen allele CA891842466.

ClinVar aggregate classification (germline): Likely pathogenic (1 of 4 stars; one submission).

Conditions:
Immunodeficiency, common variable, 10. Also called: DEFICIT IN ANTERIOR PITUITARY FUNCTION AND VARIABLE IMMUNODEFICIENCY; IMMUNODEFICIENCY, COMMON VARIABLE, WITH CENTRAL ADRENAL INSUFFICIENCY. Identifiers: MedGen C3809991, MONDO:0014260, OMIM 615577.

Submission:

Labcorp Genetics (formerly Invitae), Labcorp
Classification: Likely pathogenic for Immunodeficiency, common variable, 10. Last evaluated: 2018-02-08. Review status: criteria provided, single submitter. Criteria: Invitae Variant Classification Sherloc (09022015). Collection method: clinical testing. Allele origin: germline.
Comment: In summary, the currently available evidence indicates that the variant is pathogenic, but additional data are needed to prove that conclusively. Therefore, this variant has been classified as Likely Pathogenic. Studies have shown that processing of p100 into active p52 depends upon phosphorylation of two conserved serine residues at amino acids 866 and 870 (PMID: 16303288, 24140114). This suggests that this frameshift variant, which disrupts both of these residues, is likely to prevent appropriate p100 phosphorylation and processing. This variant has not been reported in the literature in individuals with NFKB2-related disease. This variant is not present in population databases (ExAC no frequency). This sequence change results in a premature translational stop signal in the NFKB2 gene (p.Thr859Argfs*25). While this is not anticipated to result in nonsense mediated decay, it is expected to disrupt the last 42 amino acids of the NFKB2 protein.

Literature cited by the submitters: PubMed 16303288; PubMed 24140114.